The following is an entry in ClinVar:

ClinVar aggregate classification (germline): Uncertain significance. Review status: criteria provided, multiple submitters, no conflicts (2 of 4 stars). 3 submissions from 3 submitters: Uncertain significance (3). Last evaluated 2025-05-15.

Conditions:
Cohen syndrome (COH1). Also called: PEPPER SYNDROME; Cutis verticis gyrata, retinitis pigmentosa, and sensorineural deafness. Identifiers: Orphanet 193, MedGen C0265223, MONDO:0008999, OMIM 216550.
VPS13B-related disorder. Also called: VPS13B-related condition.

Allele frequency attached by ClinVar (database versions not stated): TOPMed 0.00002; gnomAD 0.00003; ESP Exome Variant Server 0.00008.
gnomAD v4.1: 19 of 1,613,824 alleles (0.0012%); highest among the groups gnomAD compares: African/African-American, 0.0027%; no homozygotes.

Submissions (3):

PreventionGenetics, part of Exact Sciences
Classification: Uncertain significance for VPS13B-related condition. Last evaluated: 2025-05-15. Review status: criteria provided, single submitter. Criteria: ACMG Guidelines, 2015. Collection method: clinical testing. Allele origin: germline.
Comment: The VPS13B c.8441G>A variant is predicted to result in the amino acid substitution p.Arg2814Gln. In an alternate transcript (NM_017890.4), this variant is known as c.8516G>A (p.Arg2839Gln). This variant was reported in the homozygous state in triplets with Cohen syndrome (AbdelAleem et al. 2023. PubMed ID: 36780047). This variant is reported in 0.020% of alleles in individuals of Ashkenazi Jewish descent in gnomAD. At this time, the clinical significance of this variant is uncertain due to the absence of conclusive functional and genetic evidence.

Labcorp Genetics (formerly Invitae), Labcorp
Classification: Uncertain significance for Cohen syndrome. Last evaluated: 2022-06-09. Review status: criteria provided, single submitter. Criteria: Invitae Variant Classification Sherloc (09022015). Collection method: clinical testing. Allele origin: germline.
Comment: This sequence change replaces arginine, which is basic and polar, with glutamine, which is neutral and polar, at codon 2839 of the VPS13B protein (p.Arg2839Gln). This variant is present in population databases (rs148333124, gnomAD 0.02%). This variant has not been reported in the literature in individuals affected with VPS13B-related conditions. ClinVar contains an entry for this variant (Variation ID: 1303952). Algorithms developed to predict the effect of missense changes on protein structure and function are either unavailable or do not agree on the potential impact of this missense change (SIFT: "Not Available"; PolyPhen-2: "Benign"; Align-GVGD: "Not Available"). In summary, the available evidence is currently insufficient to determine the role of this variant in disease. Therefore, it has been classified as a Variant of Uncertain Significance.

GeneDx
Classification: Uncertain significance. Last evaluated: 2019-10-03. Review status: criteria provided, single submitter. Criteria: GeneDx Variant Classification Process June 2021. Collection method: clinical testing. Allele origin: germline. Affected: yes.
Comment: In silico analysis, which includes protein predictors and evolutionary conservation, supports that this variant does not alter protein structure/function; Has not been previously published as pathogenic or benign to our knowledge

NM_152564.5(VPS13B):c.8441G>A (p.Arg2814Gln)

Gene: VPS13B (vacuolar protein sorting 13 homolog B; plus strand). Cytogenetic location: 8q22.2.
Variant type: single nucleotide variant.
Coding change: c.8441G>A on transcript NM_152564.5 (MANE Select); coding-DNA position 8441, G replaced by A.
Protein change: p.Arg2814Gln; replaces arginine 2814 with glutamine.
Molecular consequence: missense variant.
Genome position (GRCh38, 1-based): chr8:99,818,530, G>A. VCF-style: chr8-99818530-G-A. GRCh37 (hg19) VCF-style: chr8-100830758-G-A.
Other names: c.8441G>A (NM_152564.4); c.8516G>A, p.Arg2839Gln (NM_017890.5); short protein forms R2814Q, R2839Q.
Identifiers: ClinVar variation 1303952 (VCV001303952.7), dbSNP rs148333124, ClinGen allele CA4824451.